The following is an entry in ClinVar:

NM_001267550.2(TTN):c.66858dup (p.Gly22287fs)

Genes: TTN-AS1 (TTN antisense RNA 1; plus strand), TTN (titin; minus strand). Cytogenetic location: 2q31.2.
Variant type: Duplication.
Coding change: c.66858dup on transcript NM_001267550.2 (MANE Select); coding-DNA position 66858, one base duplicated (A; older notation c.66858dupA).
Protein change: p.Gly22287fs; shifts the reading frame from glycine 22287.
Molecular consequence: frameshift variant.
Genome position (GRCh38, 1-based): chr2:178,580,521, T duplicated on the plus strand (A on the coding strand, the reverse complement: TTN is on the minus strand); the first of 4 consecutive T bases (chr2:178,580,521-178,580,524); duplicating any one gives the same sequence. VCF-style (leftmost placement, unchanged base first): chr2-178580520-C-CT. GRCh37 (hg19) VCF-style: chr2-179445247-C-CT.
Other names: c.61935dup, p.Gly20646fs (NM_001256850.1); c.39663dup, p.Gly13222fs (NM_003319.4); c.59154dup, p.Gly19719fs (NM_133378.4); c.40038dup, p.Gly13347fs (NM_133432.3); c.40239dup, p.Gly13414fs (NM_133437.4); short protein forms G13414fs, G19719fs, G22287fs, G13222fs, G13347fs, G20646fs.
Identifiers: ClinVar variation 2938080 (VCV002938080.3), dbSNP rs2468932634, ClinGen allele CA2586970747.

ClinVar aggregate classification (germline): Likely pathogenic (1 of 4 stars; one submission).

Conditions:
Dilated cardiomyopathy 1G (CMD1G). Identifiers: Orphanet 154, MedGen C1858763, MONDO:0011400, OMIM 604145.
Autosomal recessive limb-girdle muscular dystrophy type 2J (LGMDR10). Also called: Limb-girdle muscular dystrophy, type 2J; MUSCULAR DYSTROPHY, LIMB-GIRDLE, AUTOSOMAL RECESSIVE 10. Identifiers: Orphanet 140922, MedGen C1837342, MONDO:0012127, OMIM 608807.

Submission:

Labcorp Genetics (formerly Invitae), Labcorp
Classification: Likely pathogenic for Dilated cardiomyopathy 1G; Autosomal recessive limb-girdle muscular dystrophy type 2J. Last evaluated: 2023-09-04. Review status: criteria provided, single submitter. Criteria: Invitae Variant Classification Sherloc (09022015). Collection method: clinical testing. Allele origin: germline.
Comment: In summary, the currently available evidence indicates that the variant is pathogenic, but additional data are needed to prove that conclusively. Therefore, this variant has been classified as Likely Pathogenic. This variant is located in the A band of TTN (PMID: 25589632). Truncating variants in this region are significantly overrepresented in patients affected with dilated cardiomyopathy (PMID: 25589632). Truncating variants in this region have also been reported in individuals affected with autosomal recessive centronuclear myopathy (PMID: 23975875). This premature translational stop signal has been observed in individual(s) with dilated cardiomyopathy (PMID: 32998006). This variant is not present in population databases (gnomAD no frequency). This sequence change creates a premature translational stop signal (p.Gly22287Argfs*11) in the TTN gene. While this is not anticipated to result in nonsense mediated decay, it is expected to create a truncated TTN protein.

Literature cited by the submitters: PubMed 25589632; PubMed 23975875; PubMed 32998006.